The following is an entry in ClinVar:

NM_032601.4(MCEE):c.466A>G (p.Lys156Glu)

Gene: MCEE (methylmalonyl-CoA epimerase; minus strand). Cytogenetic location: 2p13.3.
Variant type: single nucleotide variant.
Coding change: c.466A>G on transcript NM_032601.4 (MANE Select); coding-DNA position 466, A replaced by G.
Protein change: p.Lys156Glu; replaces lysine 156 with glutamic acid.
Molecular consequence: missense variant.
Genome position (GRCh38, 1-based): chr2:71,110,035, T>C on the plus strand (A>G on the coding strand, the complement: MCEE is on the minus strand). VCF-style: chr2-71110035-T-C. GRCh37 (hg19) VCF-style: chr2-71337165-T-C.
Other names: short protein forms K156E.
Identifiers: ClinVar variation 1513623 (VCV001513623.5), dbSNP rs368609786, ClinGen allele CA49687432.

ClinVar aggregate classification (germline): Uncertain significance (1 of 4 stars; one submission).

Conditions:
Methylmalonic acidemia due to methylmalonyl-CoA epimerase deficiency. Also called: Methylmalonyl-CoA Epimerase Deficiency; METHYLMALONIC ACIDURIA III; METHYLMALONYL-CoA RACEMASE DEFICIENCY. Identifiers: Orphanet 308425, MedGen C1855100, MONDO:0009615, OMIM 251120.

Allele frequency attached by ClinVar (database versions not stated): TOPMed below 0.00001; gnomAD exomes 0.00001; ESP Exome Variant Server 0.00008.
gnomAD v4.1: 16 of 1,613,816 alleles (0.00099%); highest among the groups gnomAD compares: Non-Finnish European, 0.0013%; no homozygotes.

Submission:

Labcorp Genetics (formerly Invitae), Labcorp
Classification: Uncertain significance for Methylmalonic acidemia due to methylmalonyl-CoA epimerase deficiency. Last evaluated: 2021-08-26. Review status: criteria provided, single submitter. Criteria: Invitae Variant Classification Sherloc (09022015). Collection method: clinical testing. Allele origin: germline.
Comment: This sequence change replaces lysine with glutamic acid at codon 156 of the MCEE protein (p.Lys156Glu). The lysine residue is highly conserved and there is a small physicochemical difference between lysine and glutamic acid. This variant is not present in population databases (ExAC no frequency). This variant has not been reported in the literature in individuals affected with MCEE-related conditions. Algorithms developed to predict the effect of missense changes on protein structure and function are either unavailable or do not agree on the potential impact of this missense change (SIFT: "Deleterious"; PolyPhen-2: "Probably Damaging"; Align-GVGD: "Class C0"). In summary, the available evidence is currently insufficient to determine the role of this variant in disease. Therefore, it has been classified as a Variant of Uncertain Significance.